The following is an entry in ClinVar:

ClinVar aggregate classification (germline): Uncertain significance. Review status: criteria provided, multiple submitters, no conflicts (2 of 4 stars). 5 submissions from 5 submitters: Uncertain significance (5). Last evaluated 2025-02-05.

Conditions:
Tumor predisposition syndrome 3 (TPDS3). Also called: Glioma susceptibility 9; LONG TELOMERE SYNDROME, POT1-RELATED; POT1 Tumor Predisposition; Melanoma, cutaneous malignant, susceptibility to, 10. Identifiers: Orphanet 618, MedGen C4014476, MONDO:0014368, OMIM 615848.
Hereditary cancer-predisposing syndrome. Also called: Tumor predisposition; Hereditary Cancer Syndrome; Hereditary neoplastic syndrome; Neoplastic Syndromes, Hereditary. Identifiers: Orphanet 140162, MedGen C0027672, MeSH D009386, MONDO:0015356.

Allele frequency attached by ClinVar (database versions not stated): TOPMed below 0.00001.

Submissions (5):

St. Jude Molecular Pathology, St. Jude Children's Research Hospital
Classification: Uncertain significance for Tumor predisposition syndrome 3. Last evaluated: 2025-02-05. Review status: criteria provided, single submitter. Criteria: St. Jude Assertion Criteria 2020. Collection method: clinical testing. Allele origin: germline.
Comment: The POT1 c.847T>G p.(Ser283Ala) missense change is absent in gnomAD v2.1.1. The in silico tool REVEL predicts a benign effect on protein function, but this prediction has not been confirmed by functional studies. To our knowledge, this variant has not been reported in individuals with POT1-associated conditions. In summary, the evidence currently available is insufficient to determine the clinical significance of this variant. It has therefore been classified as of uncertain significance.

Ambry Genetics
Classification: Uncertain significance for Hereditary cancer-predisposing syndrome. Last evaluated: 2024-06-08. Review status: criteria provided, single submitter. Criteria: Ambry Variant Classification Scheme 2023. Collection method: clinical testing. Allele origin: germline.
Comment: The p.S283A variant (also known as c.847T>G), located in coding exon 6 of the POT1 gene, results from a T to G substitution at nucleotide position 847. The serine at codon 283 is replaced by alanine, an amino acid with similar properties. This amino acid position is not well conserved in available vertebrate species. In addition, this alteration is predicted to be tolerated by in silico analysis. Since supporting evidence is limited at this time, the clinical significance of this alteration remains unclear.

Labcorp Genetics (formerly Invitae), Labcorp
Classification: Uncertain significance for Tumor predisposition syndrome 3. Last evaluated: 2024-03-04. Review status: criteria provided, single submitter. Criteria: Invitae Variant Classification Sherloc (09022015). Collection method: clinical testing. Allele origin: germline.
Comment: This sequence change replaces serine, which is neutral and polar, with alanine, which is neutral and non-polar, at codon 283 of the POT1 protein (p.Ser283Ala). This variant is not present in population databases (gnomAD no frequency). This variant has not been reported in the literature in individuals affected with POT1-related conditions. ClinVar contains an entry for this variant (Variation ID: 822490). Advanced modeling of protein sequence and biophysical properties (such as structural, functional, and spatial information, amino acid conservation, physicochemical variation, residue mobility, and thermodynamic stability) performed at Invitae indicates that this missense variant is not expected to disrupt POT1 protein function with a negative predictive value of 80%. In summary, the available evidence is currently insufficient to determine the role of this variant in disease. Therefore, it has been classified as a Variant of Uncertain Significance.

Quest Diagnostics Nichols Institute San Juan Capistrano
Classification: Uncertain significance. Last evaluated: 2022-09-30. Review status: criteria provided, single submitter. Criteria: Quest Diagnostics criteria. Collection method: clinical testing. Allele origin: unknown.
Comment: The variant has not been reported in the published literature. It also has not been reported in large, multi-ethnic general populations. Analysis of this variant using bioinformatics tools for the prediction of the effect of amino acid changes on protein structure and function yielded predictions that this variant is benign. Based on the available information, we are unable to determine the clinical significance of this variant.

GeneDx
Classification: Uncertain significance. Last evaluated: 2022-09-29. Review status: criteria provided, single submitter. Criteria: GeneDx Variant Classification Process June 2021. Collection method: clinical testing. Allele origin: germline. Affected: yes.
Comment: Not observed in large population cohorts (gnomAD); In silico analysis supports that this missense variant does not alter protein structure/function; Has not been previously published as pathogenic or benign to our knowledge

NM_015450.3(POT1):c.847T>G (p.Ser283Ala)

Gene: POT1 (protection of telomeres 1; minus strand). Cytogenetic location: 7q31.33.
Variant type: single nucleotide variant.
Coding change: c.847T>G on transcript NM_015450.3 (MANE Select); coding-DNA position 847, T replaced by G.
Protein change: p.Ser283Ala; replaces serine 283 with alanine.
Molecular consequence: missense variant. On other transcripts: non-coding transcript variant (3).
Genome position (GRCh38, 1-based): chr7:124,852,994, A>C on the plus strand (T>G on the coding strand, the complement: POT1 is on the minus strand). VCF-style: chr7-124852994-A-C. GRCh37 (hg19) VCF-style: chr7-124493048-A-C.
Other names: c.454T>G, p.Ser152Ala (NM_001042594.2); short protein forms S283A, S152A.
Identifiers: ClinVar variation 822490 (VCV000822490.18), dbSNP rs1584765580, ClinGen allele CA369055233.
Genomic context (GRCh38, chr7:124,852,994, plus strand): 5'-GATACCTTATTTACATTTTCTAAATACTAAAAGCTTACTTTTTCAGTTGATCCACATCAG[A>C]GTTACTTTCTGGCAAGACCCTGATTCCCCGACCGTAACTGGTACCTCCATGAAGATGAAA-3'
Protein context (NP_056265.2, residues 273-293): RGIRVLPESN[Ser283Ala]DVDQLKKDLE